The following is an entry in ClinVar:

NM_144670.6(A2ML1):c.971-282C>T

Gene: A2ML1 (alpha-2-macroglobulin like 1; plus strand). Cytogenetic location: 12p13.31.
Variant type: single nucleotide variant.
Coding change: c.971-282C>T on transcript NM_144670.6 (MANE Select); 282 bases into the intron before coding-DNA position 971, C replaced by T.
Molecular consequence: intron variant.
Genome position (GRCh38, 1-based): chr12:8,838,831, C>T. VCF-style: chr12-8838831-C-T. GRCh37 (hg19) VCF-style: chr12-8991427-C-T.
Identifiers: ClinVar variation 561808 (VCV000561808.1), dbSNP rs7305259, ClinGen allele CA13613180.

ClinVar aggregate classification (germline): Benign (1 of 4 stars; one submission).

Allele frequency attached by ClinVar (database versions not stated): 1000 Genomes Project 30x 0.06824; TOPMed 0.11552; gnomAD 0.12620 and 0.12981; 1000 Genomes Project 0.06689.
gnomAD v4.1: 18,682 of 148,664 alleles (13%); highest among the groups gnomAD compares: Non-Finnish European, 17%; 1,357 homozygotes.

Submission:

GeneDx
Classification: Benign. Last evaluated: 2018-06-14. Review status: criteria provided, single submitter. Criteria: GeneDx Variant Classification (06012015). Collection method: clinical testing. Allele origin: germline. Affected: yes.
Comment: This variant is considered likely benign or benign based on one or more of the following criteria: it is a conservative change, it occurs at a poorly conserved position in the protein, it is predicted to be benign by multiple in silico algorithms, and/or has population frequency not consistent with disease.